The following is an entry in ClinVar:

NM_001868.4(CPA1):c.1073-1G>T

Gene: CPA1 (carboxypeptidase A1; plus strand). Cytogenetic location: 7q32.2.
Variant type: single nucleotide variant.
Coding change: c.1073-1G>T on transcript NM_001868.4 (MANE Select); the canonical splice acceptor site of the intron before coding-DNA position 1073, G replaced by T.
Molecular consequence: splice acceptor variant.
Genome position (GRCh38, 1-based): chr7:130,387,823, G>T. VCF-style: chr7-130387823-G-T. GRCh37 (hg19) VCF-style: chr7-130027664-G-T.
Identifiers: ClinVar variation 3727705 (VCV003727705.2).

ClinVar aggregate classification (germline): Uncertain significance (1 of 4 stars; one submission).

Submission:

Labcorp Genetics (formerly Invitae), Labcorp
Classification: Uncertain significance. Last evaluated: 2024-12-21. Review status: criteria provided, single submitter. Criteria: Invitae Variant Classification Sherloc (09022015). Collection method: clinical testing. Allele origin: germline.
Comment: This sequence change falls in intron 9 of the CPA1 gene. It does not directly change the encoded amino acid sequence of the CPA1 protein. It affects a nucleotide within the consensus splice site. This variant is not present in population databases (gnomAD no frequency). This variant has not been reported in the literature in individuals affected with CPA1-related conditions. Variants that disrupt the consensus splice site are a relatively common cause of aberrant splicing (PMID: 17576681, 9536098). Algorithms developed to predict the effect of sequence changes on RNA splicing suggest that this variant may disrupt the consensus splice site. In summary, the available evidence is currently insufficient to determine the role of this variant in disease. Therefore, it has been classified as a Variant of Uncertain Significance.

Literature cited by the submitters: PubMed 17576681; PubMed 9536098.